The following is an entry in ClinVar:

ClinVar aggregate classification (germline): Uncertain significance. Review status: criteria provided, multiple submitters, no conflicts (2 of 4 stars). 4 submissions from 4 submitters: Uncertain significance (4). Last evaluated 2026-01-14.

Conditions:
Hereditary cancer-predisposing syndrome. Also called: Neoplastic Syndromes, Hereditary; Tumor predisposition; Hereditary Cancer Syndrome; Hereditary neoplastic syndrome. Identifiers: Orphanet 140162, MedGen C0027672, MeSH D009386, MONDO:0015356.
Neurofibromatosis, type 2 (SWNV). Also called: BILATERAL ACOUSTIC NEUROFIBROMATOSIS; SCHWANNOMATOSIS, VESTIBULAR; NF2-Related Schwannomatosis. Identifiers: Orphanet 637, MedGen C0027832, MONDO:0007039, OMIM 101000. Disease mechanism: loss of function.
NF2-related disorder. Also called: NF2-related condition.

Submissions (4):

Labcorp Genetics (formerly Invitae), Labcorp
Classification: Uncertain significance for Neurofibromatosis, type 2. Last evaluated: 2026-01-14. Review status: criteria provided, single submitter. Criteria: Invitae Variant Classification Sherloc (09022015). Collection method: clinical testing. Allele origin: germline.
Comment: This variant, c.1264_1266del, results in the deletion of 1 amino acid(s) of the NF2 protein (p.Glu422del), but otherwise preserves the integrity of the reading frame. This variant is not present in population databases (gnomAD no frequency). This variant has not been reported in the literature in individuals affected with NF2-related conditions. ClinVar contains an entry for this variant (Variation ID: 935602). Experimental studies and prediction algorithms are not available or were not evaluated, and the functional significance of this variant is currently unknown. In summary, the available evidence is currently insufficient to determine the role of this variant in disease. Therefore, it has been classified as a Variant of Uncertain Significance.

Color Diagnostics, LLC DBA Color Health
Classification: Uncertain significance for Neurofibromatosis, type 2. Last evaluated: 2025-06-26. Review status: criteria provided, single submitter. Criteria: ACMG Guidelines, 2015. Collection method: clinical testing. Allele origin: germline.
Comment: This variant results in a single amino acid deletion in the NF2 protein. To our knowledge, functional studies have not been reported for this variant. This variant has not been reported in individuals affected with NF2-related disorders in the literature. This variant has not been identified in the general population by the Genome Aggregation Database (gnomAD). The available evidence is insufficient to determine the role of this variant in disease conclusively. Therefore, this variant is classified as a Variant of Uncertain Significance.

PreventionGenetics, part of Exact Sciences
Classification: Uncertain significance for NF2-related condition. Last evaluated: 2023-09-12. Review status: criteria provided, single submitter. Criteria: ACMG Guidelines, 2015. Collection method: clinical testing. Allele origin: germline.
Comment: The NF2 c.1264_1266delGAG variant is predicted to result in an in-frame deletion (p.Glu422del). To our knowledge, this variant has not been reported in the literature or in a large population database, indicating this variant is rare. At this time, the clinical significance of this variant is uncertain due to the absence of conclusive functional and genetic evidence.

Ambry Genetics
Classification: Uncertain significance for Hereditary cancer-predisposing syndrome. Last evaluated: 2023-04-05. Review status: criteria provided, single submitter. Criteria: Ambry Variant Classification Scheme 2023. Collection method: clinical testing. Allele origin: germline.
Comment: The c.1264_1266delGAG variant (also known as p.E422del) is located in coding exon 12 of the NF2 gene. This variant results from an in-frame GAG deletion at nucleotide positions 1264 to 1266. This results in the in-frame deletion of a glutamic acid at codon 422. This amino acid position is highly conserved in available vertebrate species. In addition, this alteration is predicted to be deleterious by in silico analysis (Choi Y et al. PLoS ONE. 2012; 7(10):e46688).Since supporting evidence is limited at this time, the clinical significance of this alteration remains unclear.

NM_000268.4(NF2):c.1258GAG[2] (p.Glu422del)

Gene: NF2 (NF2, moesin-ezrin-radixin like (MERLIN) tumor suppressor; plus strand). Cytogenetic location: 22q12.2.
Variant type: Microsatellite.
Coding change: c.1258GAG[2] on transcript NM_000268.4 (MANE Select); two copies in a row of the 3-base unit GAG starting at c.1258; the reference has three copies in a row; one copy, 3 bases deleted; also written c.1264_1266del.
Protein change: p.Glu422del; deletes glutamic acid 422.
Molecular consequence: inframe deletion. On other transcripts: non-coding transcript variant (1), intron variant (1).
Genome position (GRCh38, 1-based): chr22:29,673,410-29,673,412, GAG deleted; deleting any 3 consecutive bases within chr22:29,673,403-29,673,412 gives the same sequence; the position shown is the placement nearest the transcript's 3' end. VCF-style (leftmost placement, unchanged base first): chr22-29673402-CGGA-C. GRCh37 (hg19) VCF-style: chr22-30069391-CGGA-C.
Other names: c.1258GAG[2], p.Glu422del (NM_016418.5, NM_181825.3, NM_181832.3); c.1132GAG[2], p.Glu380del (NM_181828.3); c.1135GAG[2], p.Glu381del (NM_181829.3); c.1009GAG[2], p.Glu339del (NM_181830.3, NM_181831.3); c.448-21349GGA[2] (NM_181833.3); c.1264_1266delGAG (NM_000268.3, NM_181832.2); c.1264_1266del (NM_000268.4); short protein forms E339del, E381del, E380del, E422del.
Identifiers: ClinVar variation 935602 (VCV000935602.15), dbSNP rs2066863778, ClinGen allele CA1024916330.
Genomic context (GRCh38, chr22:29,673,402, plus strand): 5'-CCCAGAAGGCCGCAGAGGCTGAGCAGGAAATGCAGCGCATCAAGGCCACAGCGATTCGCA[CGGA>C]GGAGGAGAAGCGCCTGATGGAGCAGAAGGTGCTGGAAGCCGAGGTGCTGGCACTGAAGAT-3'